The following is an entry in ClinVar:

ClinVar aggregate classification (germline): Conflicting classifications of pathogenicity. Review status: criteria provided, conflicting classifications (1 of 4 stars). 5 submissions from 5 submitters: Uncertain significance (4); Likely benign (1). Last evaluated 2026-07-31.

Conditions:
Cardiovascular phenotype. Identifiers: MedGen CN230736.
Cardiomyopathy (CMYO). Also called: Cardiomyopathies. Identifiers: Orphanet 167848, MedGen C0878544, MONDO:0004994, HP:0001638. Inheritance: Various modes of inheritance.
Lethal congenital glycogen storage disease of heart. Also called: PHOSPHORYLASE KINASE DEFICIENCY OF HEART; GLYCOGEN STORAGE DISEASE OF HEART. Identifiers: Orphanet 439854, MedGen C1849813, MONDO:0009867, OMIM 261740.

Allele frequency attached by ClinVar (database versions not stated): gnomAD 0.00001; gnomAD exomes 0.00002; ExAC 0.00001.
gnomAD v4.1: 7 of 1,614,028 alleles (0.00043%); highest among the groups gnomAD compares: South Asian, 0.0011%; no homozygotes.

Submissions (5):

Ambry Genetics
Classification: Uncertain significance for Cardiovascular phenotype. Last evaluated: 2026-07-31. Review status: criteria provided, single submitter. Criteria: Ambry Variant Classification Scheme 2023. Collection method: clinical testing. Allele origin: germline.
Comment: The c.1438-3C>A intronic variant results from a C to A substitution 3 nucleotides upstream from coding exon 14 in the PRKAG2 gene. This nucleotide position is well conserved in available vertebrate species. In silico splice site analysis predicts that this alteration will not have any significant effect on splicing. Based on the available evidence, the clinical significance of this variant remains unclear.

Color Diagnostics, LLC DBA Color Health
Classification: Likely benign for Cardiomyopathy. Last evaluated: 2025-07-22. Review status: criteria provided, single submitter. Criteria: ACMG Guidelines, 2015. Collection method: clinical testing. Allele origin: germline.

Molecular Diagnostic Laboratory for Inherited Cardiovascular Disease, Montreal Heart Institute
Classification: Uncertain significance for Cardiovascular phenotype. Last evaluated: 2025-04-09. Review status: criteria provided, single submitter. Criteria: ACMG Guidelines, 2015. Collection method: clinical testing. Allele origin: germline. Affected: yes.

Labcorp Genetics (formerly Invitae), Labcorp
Classification: Uncertain significance for Lethal congenital glycogen storage disease of heart. Last evaluated: 2024-12-15. Review status: criteria provided, single submitter. Criteria: Invitae Variant Classification Sherloc (09022015). Collection method: clinical testing. Allele origin: germline.
Comment: This sequence change falls in intron 13 of the PRKAG2 gene. It does not directly change the encoded amino acid sequence of the PRKAG2 protein. It affects a nucleotide within the consensus splice site. This variant is present in population databases (rs773864390, gnomAD 0.006%). This variant has not been reported in the literature in individuals affected with PRKAG2-related conditions. ClinVar contains an entry for this variant (Variation ID: 1378785). Variants that disrupt the consensus splice site are a relatively common cause of aberrant splicing (PMID: 17576681, 9536098). Algorithms developed to predict the effect of sequence changes on RNA splicing suggest that this variant is not likely to affect RNA splicing. In summary, the available evidence is currently insufficient to determine the role of this variant in disease. Therefore, it has been classified as a Variant of Uncertain Significance.

Revvity Omics, Revvity
Classification: Uncertain significance. Last evaluated: 2023-04-20. Review status: criteria provided, single submitter. Criteria: ACMG Guidelines, 2015. Collection method: clinical testing. Allele origin: germline.

Literature cited by the submitters: PubMed 17576681 (cited by Labcorp Genetics (formerly Invitae), Labcorp); PubMed 9536098 (cited by Labcorp Genetics (formerly Invitae), Labcorp).

NM_016203.4(PRKAG2):c.1438-3C>A

Gene: PRKAG2 (protein kinase AMP-activated non-catalytic subunit gamma 2; minus strand). Cytogenetic location: 7q36.1.
Variant type: single nucleotide variant.
Coding change: c.1438-3C>A on transcript NM_016203.4 (MANE Select); 3 bases into the intron before coding-DNA position 1438, C replaced by A.
Molecular consequence: intron variant.
Genome position (GRCh38, 1-based): chr7:151,564,227, G>T on the plus strand (C>A on the coding strand, the complement: PRKAG2 is on the minus strand). VCF-style: chr7-151564227-G-T. GRCh37 (hg19) VCF-style: chr7-151261313-G-T.
Other names: c.1438-3C>A (NM_016203.3); c.1306-3C>A (NM_001040633.2); c.1063-3C>A (NM_001304527.2); c.1066-3C>A (NM_001363698.2); c.715-3C>A (NM_001304531.2, NM_024429.2).
Identifiers: ClinVar variation 1378785 (VCV001378785.13), dbSNP rs773864390, ClinGen allele CA055159.